The following is an entry in ClinVar:

ClinVar aggregate classification (germline): Likely pathogenic (1 of 4 stars; one submission).

Submission:

Labcorp Genetics (formerly Invitae), Labcorp
Classification: Likely pathogenic. Last evaluated: 2025-05-05. Review status: criteria provided, single submitter. Criteria: Invitae Variant Classification Sherloc (09022015). Collection method: clinical testing. Allele origin: germline.
Comment: This sequence change replaces asparagine, which is neutral and polar, with isoleucine, which is neutral and non-polar, at codon 393 of the ALPL protein (p.Asn393Ile). This variant is not present in population databases (gnomAD no frequency). This variant has not been reported in the literature in individuals affected with ALPL-related conditions. Invitae Evidence Modeling of protein sequence and biophysical properties (such as structural, functional, and spatial information, amino acid conservation, physicochemical variation, residue mobility, and thermodynamic stability) indicates that this missense variant is expected to disrupt ALPL protein function with a positive predictive value of 95%. This variant disrupts the p.Asn393 amino acid residue in ALPL. Other variant(s) that disrupt this residue have been determined to be pathogenic (PMID: 34712267). This suggests that this residue is clinically significant, and that variants that disrupt this residue are likely to be disease-causing. In summary, the currently available evidence indicates that the variant is pathogenic, but additional data are needed to prove that conclusively. Therefore, this variant has been classified as Likely Pathogenic.

Literature cited by the submitters: PubMed 34712267.

NM_000478.6(ALPL):c.1178A>T (p.Asn393Ile)

Gene: ALPL (alkaline phosphatase, biomineralization associated; plus strand). Cytogenetic location: 1p36.12.
Variant type: single nucleotide variant.
Coding change: c.1178A>T on transcript NM_000478.6 (MANE Select); coding-DNA position 1178, A replaced by T.
Protein change: p.Asn393Ile; replaces asparagine 393 with isoleucine.
Molecular consequence: missense variant.
Genome position (GRCh38, 1-based): chr1:21,575,913, A>T. VCF-style: chr1-21575913-A-T. GRCh37 (hg19) VCF-style: chr1-21902406-A-T.
Other names: c.1013A>T, p.Asn338Ile (NM_001127501.4); c.947A>T, p.Asn316Ile (NM_001177520.3); c.1178A>T, p.Asn393Ile (NM_001369803.2, NM_001369804.2, NM_001369805.2); short protein forms N316I, N338I, N393I.
Identifiers: ClinVar variation 4799872 (VCV004799872.1).
Genomic context (GRCh38, chr1:21,575,913, plus strand): 5'-CCGTGGTCACTGCGGACCATTCCCACGTCTTCACATTTGGTGGATACACCCCCCGTGGCA[A>T]CTCTATCTTTGGTAGGTGGGCCTTCTTTGGGGTGGACACTCCTGGGGTCTCCTGTCTACC-3'
Protein context (NP_000469.3, residues 383-403): FTFGGYTPRG[Asn393Ile]SIFGLAPMLS